The following is an entry in ClinVar:

NM_007294.4(BRCA1):c.3869_3870del (p.Lys1290fs)

Genes: BRCA1 (BRCA1 DNA repair associated; minus strand), LOC126862571 (BRD4-independent group 4 enhancer GRCh37_chr17:41243136-41244335; plus strand). Cytogenetic location: 17q21.31.
Variant type: Deletion.
Coding change: c.3869_3870del on transcript NM_007294.4 (MANE Select); coding-DNA positions 3869 to 3870, 2 bases deleted (AA; older notation c.3869_3870delAA).
Protein change: p.Lys1290fs; shifts the reading frame from lysine 1290.
Molecular consequence: frameshift variant. On other transcripts: intron variant (135).
Genome position (GRCh38, 1-based): chr17:43,091,661-43,091,662, TT deleted on the plus strand (AA on the coding strand, the reverse complement: BRCA1 is on the minus strand); deleting any 2 consecutive bases within chr17:43,091,661-43,091,664 gives the same sequence; the c. name uses the placement nearest the transcript's 3' end. VCF-style (leftmost placement, unchanged base first): chr17-43091660-ATT-A. GRCh37 (hg19) VCF-style: chr17-41243677-ATT-A.
Other names: 3988delAA; 3988_3989delAA; c.3656_3657del, p.Lys1219fs (NM_001407571.1, NM_001407853.1, NM_001407894.1 and 9 more transcripts); c.3869_3870del, p.Lys1290fs (NM_001407581.1, NM_001407582.1, NM_001407583.1 and 30 more transcripts); c.3866_3867del, p.Lys1289fs (NM_001407587.1, NM_001407590.1, NM_001407591.1 and 22 more transcripts); c.3860_3861del, p.Lys1287fs (NM_001407646.1, NM_001407647.1); c.3746_3747del, p.Lys1249fs (NM_001407648.1, NM_001407664.1, NM_001407665.1 and 19 more transcripts); c.3743_3744del, p.Lys1248fs (NM_001407649.1, NM_001407670.1, NM_001407671.1 and 11 more transcripts); and 44 more; short protein forms K1290fs, K1243fs, K1162fs, K1178fs, K1248fs, K1263fs, K1289fs, K1201fs.
Identifiers: ClinVar variation 55032 (VCV000055032.24), dbSNP rs80357918, ClinGen allele CA002493.
Genomic context (GRCh38, chr17:43,091,660, plus strand): 5'-TTGTATTTGCAGTCAAGTCTTCCAATTCACTGCACTGTGAAGAAAACAAGCTAGCAGAAC[ATT>A]TTGTTTCCTCACTAAGGTGATGTTCCTGAGATGCCTTTGCCAATATTACCTGGTTACTGC-3'

ClinVar aggregate classification (germline): Pathogenic. Review status: reviewed by expert panel (3 of 4 stars). 10 submissions from 10 submitters: Pathogenic (1). 9 of the submissions do not count toward it. Last evaluated 2016-04-22.

Conditions:
Hereditary cancer-predisposing syndrome. Also called: Hereditary Cancer Syndrome; Hereditary neoplastic syndrome; Neoplastic Syndromes, Hereditary; Tumor predisposition. Identifiers: Orphanet 140162, MedGen C0027672, MeSH D009386, MONDO:0015356.
Breast-ovarian cancer, familial, susceptibility to, 1 (BROVCA1). Also called: BRCA1 Hereditary Breast and Ovarian Cancer; OVARIAN CANCER, SUSCEPTIBILITY TO. Identifiers: Orphanet 145, MedGen C2676676, MONDO:0011450, OMIM 604370. Disease mechanism: loss of function.
Hereditary breast ovarian cancer syndrome. Also called: BRCA1- and BRCA2-Associated Hereditary Breast and Ovarian Cancer; Hereditary breast and ovarian cancer syndrome; Hereditary breast and ovarian cancer syndrome (HBOC); Breast and ovarian cancer; Hereditary breast and/or ovarian cancer syndrome; Hereditary breast and ovarian cancer. Identifiers: Orphanet 145, MedGen C0677776, MeSH D061325, MONDO:0003582. Disease mechanism: loss of function.

Submissions (10):

Evidence-based Network for the Interpretation of Germline Mutant Alleles (ENIGMA)
Classification: Pathogenic for Breast-ovarian cancer, familial, susceptibility to, 1. Last evaluated: 2016-04-22. Review status: reviewed by expert panel. Criteria: ENIGMA BRCA1/2 Classification Criteria (2015). Collection method: curation. Allele origin: germline.
Comment: Variant allele predicted to encode a truncated non-functional protein.

Ambry Genetics
Classification: Pathogenic for Hereditary cancer-predisposing syndrome. Last evaluated: 2025-09-16. Review status: criteria provided, single submitter. Criteria: Ambry Variant Classification Scheme 2023. Collection method: clinical testing. Allele origin: germline. Not counted in ClinVar's aggregate classification.
Comment: The c.3869_3870delAA pathogenic mutation, located in coding exon 9 of the BRCA1 gene, results from a deletion of two nucleotides at nucleotide positions 3869 to 3870, causing a translational frameshift with a predicted alternate stop codon (p.K1290Mfs*4). This variant is considered to be rare based on population cohorts in the Genome Aggregation Database (gnomAD). This alteration is expected to result in loss of function by premature protein truncation or nonsense-mediated mRNA decay. As such, this alteration is interpreted as a disease-causing mutation.

Labcorp Genetics (formerly Invitae), Labcorp
Classification: Pathogenic for Hereditary breast ovarian cancer syndrome. Last evaluated: 2025-07-31. Review status: criteria provided, single submitter. Criteria: Invitae Variant Classification Sherloc (09022015). Collection method: clinical testing. Allele origin: germline. Not counted in ClinVar's aggregate classification.
Comment: This sequence change creates a premature translational stop signal (p.Lys1290Metfs*4) in the BRCA1 gene. It is expected to result in an absent or disrupted protein product. Loss-of-function variants in BRCA1 are known to be pathogenic (PMID: 20104584). This variant is not present in population databases (gnomAD no frequency). This premature translational stop signal has been observed in individual(s) with breast, ovarian, cervical and endometrial cancer and/or a family history of an HBOC-related cancer (PMID: 7606717, 7837387, 10486320, 26026974, 26187060). This variant is also known as 3986delAA and a 2 bp deletion at 3989-3990. ClinVar contains an entry for this variant (Variation ID: 55032). For these reasons, this variant has been classified as Pathogenic.

Baylor Genetics
Classification: Pathogenic for Breast-ovarian cancer, familial, susceptibility to, 1. Last evaluated: 2023-04-18. Review status: criteria provided, single submitter. Criteria: ACMG Guidelines, 2015. Collection method: clinical testing. Allele origin: unknown. Not counted in ClinVar's aggregate classification.

Revvity Omics, Revvity
Classification: Pathogenic. Last evaluated: 2022-02-22. Review status: criteria provided, single submitter. Criteria: ACMG Guidelines, 2015. Collection method: clinical testing. Allele origin: germline. Not counted in ClinVar's aggregate classification.

Women's Health and Genetics/Laboratory Corporation of America, LabCorp
Classification: Pathogenic for Hereditary breast ovarian cancer syndrome. Last evaluated: 2021-10-14. Review status: criteria provided, single submitter. Criteria: LabCorp Variant Classification Summary - May 2015. Collection method: clinical testing. Allele origin: germline. Not counted in ClinVar's aggregate classification.
Comment: Variant summary: BRCA1 c.3869_3870delAA (p.Lys1290MetfsX4) results in a premature termination codon, predicted to cause a truncation of the encoded protein or absence of the protein due to nonsense mediated decay, which are commonly known mechanisms for disease. Truncations downstream of this position have been classified as pathogenic by our laboratory. The variant was absent in 252500 control chromosomes (gnomAD and publication). c.3869_3870delAA has been reported in the literature in multiple individuals affected with Hereditary Breast And Ovarian Cancer Syndrome (e.g. Takahashi_1995, Gayther_1999, Judkins_2005, Malone_2006, Couch_2015, de Juan_2015). These data indicate that the variant is very likely to be associated with disease. Six ClinVar submitters including an expert panel (ENIGMA) (evaluation after 2014) cite the variant as pathogenic. Based on the evidence outlined above, the variant was classified as pathogenic.

GeneDx
Classification: Pathogenic. Last evaluated: 2019-05-07. Review status: criteria provided, single submitter. Criteria: GeneDx Variant Classification (06012015). Collection method: clinical testing. Allele origin: germline. Affected: yes. Not counted in ClinVar's aggregate classification.
Comment: This deletion of two nucleotides in BRCA1 is denoted c.3869_3870delAA at the cDNA level and p.Lys1290MetfsX4 (K1290MfsX4) at the protein level. The normal sequence, with the bases that are deleted in brackets, is ACAA[delAA]TGTT. The deletion causes a frameshift which changes a Lysine to a Methionine at codon 1290, and creates a premature stop codon at position 4 of the new reading frame. This variant is predicted to cause loss of normal protein function through either protein truncation or nonsense-mediated mRNA decay. BRCA1 c.3869_3870delAA, also published as 3986delAA and 3988delAA using alternate nomenclature, has been reported in association with Hereditary Breast and Ovarian Cancer (Gayther 1999, Malone 2006, de Juan 2015). We consider this variant to be pathogenic.

Quest Diagnostics Nichols Institute San Juan Capistrano
Classification: Pathogenic. Last evaluated: 2016-09-23. Review status: criteria provided, single submitter. Criteria: Quest Diagnostics criteria. Collection method: clinical testing. Allele origin: germline. Not counted in ClinVar's aggregate classification.

Consortium of Investigators of Modifiers of BRCA1/2 (CIMBA), c/o University of Cambridge
Classification: Pathogenic for Breast-ovarian cancer, familial, susceptibility to, 1. Last evaluated: 2015-10-02. Review status: criteria provided, single submitter. Criteria: CIMBA Mutation Classification guidelines May 2016. Collection method: clinical testing. Allele origin: germline. Not counted in ClinVar's aggregate classification.

Breast Cancer Information Core (BIC) (BRCA1)
Classification: Pathogenic for Breast-ovarian cancer, familial 1. Last evaluated: 2002-05-29. Review status: no assertion criteria provided. Collection method: clinical testing. Allele origin: germline. Affected: yes. Observed: 6 variant alleles. Not counted in ClinVar's aggregate classification.

Literature cited by the submitters: PubMed 20104584 (cited by Labcorp Genetics (formerly Invitae), Labcorp); PubMed 7606717 (cited by Labcorp Genetics (formerly Invitae), Labcorp and Women's Health and Genetics/Laboratory Corporation of America, LabCorp); PubMed 7837387 (cited by Labcorp Genetics (formerly Invitae), Labcorp and Quest Diagnostics Nichols Institute San Juan Capistrano); PubMed 10486320 (cited by Labcorp Genetics (formerly Invitae), Labcorp and Women's Health and Genetics/Laboratory Corporation of America, LabCorp); PubMed 26026974 (cited by 3 submitters); PubMed 26187060 (cited by Labcorp Genetics (formerly Invitae), Labcorp and Quest Diagnostics Nichols Institute San Juan Capistrano); PubMed 16267036 (cited by Women's Health and Genetics/Laboratory Corporation of America, LabCorp); PubMed 16912212 (cited by Women's Health and Genetics/Laboratory Corporation of America, LabCorp); PubMed 25452441 (cited by Women's Health and Genetics/Laboratory Corporation of America, LabCorp); PubMed 25248401 (cited by Quest Diagnostics Nichols Institute San Juan Capistrano).